The following is an entry in ClinVar:

ClinVar aggregate classification (germline): Uncertain significance (1 of 4 stars; one submission).

Conditions:
Intellectual developmental disorder, autosomal dominant 47. Also called: MENTAL RETARDATION, AUTOSOMAL DOMINANT 47; Intellectual disability, autosomal dominant 47. Identifiers: Orphanet 502434, MedGen C4539951, MONDO:0030912, OMIM 617635.

Submission:

New York Genome Center
Classification: Uncertain significance for Intellectual developmental disorder, autosomal dominant 47. Last evaluated: 2021-02-12. Review status: criteria provided, single submitter. Criteria: NYGC Assertion Criteria 2020. Collection method: clinical testing. Allele origin: de novo. Observed: 1 heterozygote. Study: CSER-NYCKidSeq.
Comment: The de novo c.676+5379A>G variant identified in the STAG1 gene substitutes a moderately conserved Adenine for Guanine within intron 7/33. This variant is absent from gnomAD(v3.1), suggesting it is not a common benign variant in the populations represented in that database. SpliceAI does not predict this variant to alter splicing, though MaxEntScan (delta=+7.60), suggests a potential effect on splicing. This variant is absent from ClinVar and to our current knowledge has not been reported in affected individuals in the literature. Given the lack of compelling evidence for its pathogenicity, the de novo c.676+5379A>G variant identified in the STAG1 gene is reported as a Variant of Uncertain Significance.

NM_005862.3(STAG1):c.676+5379A>G

Gene: STAG1 (STAG1 cohesin complex component; minus strand). Cytogenetic location: 3q22.3.
Variant type: single nucleotide variant.
Coding change: c.676+5379A>G on transcript NM_005862.3 (MANE Select); 5379 bases into the intron after coding-DNA position 676, A replaced by G.
Molecular consequence: intron variant.
Genome position (GRCh38, 1-based): chr3:136,515,834, T>C on the plus strand (A>G on the coding strand, the complement: STAG1 is on the minus strand). VCF-style: chr3-136515834-T-C. GRCh37 (hg19) VCF-style: chr3-136234676-T-C.
Identifiers: ClinVar variation 1341903 (VCV001341903.1), dbSNP rs2107894849, ClinGen allele CA2573052086.